The following is an entry in ClinVar:

ClinVar aggregate classification (germline): Uncertain significance (1 of 4 stars; one submission).

Submission:

GeneDx
Classification: Uncertain significance. Last evaluated: 2025-07-27. Review status: criteria provided, single submitter. Criteria: GeneDx Variant Classification Process June 2021. Collection method: clinical testing. Allele origin: germline. Affected: yes.
Comment: Not observed at significant frequency in large population cohorts (gnomAD); In silico analysis supports that this missense variant has a deleterious effect on protein structure/function; Has not been previously published as pathogenic or benign to our knowledge

NM_001244008.2(KIF1A):c.2223C>G (p.Phe741Leu)

Gene: KIF1A (kinesin family member 1A; minus strand). Cytogenetic location: 2q37.3.
Variant type: single nucleotide variant.
Coding change: c.2223C>G on transcript NM_001244008.2 (MANE Select); coding-DNA position 2223, C replaced by G.
Protein change: p.Phe741Leu; replaces phenylalanine 741 with leucine.
Molecular consequence: missense variant.
Genome position (GRCh38, 1-based): chr2:240,761,271, G>C on the plus strand (C>G on the coding strand, the complement: KIF1A is on the minus strand). VCF-style: chr2-240761271-G-C. GRCh37 (hg19) VCF-style: chr2-241700688-G-C.
Other names: c.2223C>G, p.Phe741Leu (NM_001320705.2, NM_001330289.2, NM_001379638.1); c.2298C>G, p.Phe766Leu (NM_001330290.2, NM_001379631.1, NM_001379634.1 and 2 more transcripts); c.2196C>G, p.Phe732Leu (NM_001379632.1, NM_001379633.1, NM_001379636.1 and 10 more transcripts); c.2271C>G, p.Phe757Leu (NM_001379637.1, NM_001379648.1); short protein forms F732L, F741L, F757L, F766L.
Identifiers: ClinVar variation 4689877 (VCV004689877.1).